The following is an entry in ClinVar:

ClinVar aggregate classification (germline): Uncertain significance. Review status: criteria provided, multiple submitters, no conflicts (2 of 4 stars). 2 submissions from 2 submitters: Uncertain significance (2). Last evaluated 2024-11-23.

Conditions:
Inborn genetic diseases. Identifiers: MedGen C0950123, MeSH D030342.
Fanconi anemia (FA). Also called: Fanconi's anemia. Identifiers: Orphanet 84, MedGen C0015625, MeSH D005199, MONDO:0019391.

gnomAD v4.1: 7 of 1,614,068 alleles (0.00043%); highest among the groups gnomAD compares: Non-Finnish European, 0.00059%; no homozygotes.

Submissions (2):

Ambry Genetics
Classification: Uncertain significance for Inborn genetic diseases. Last evaluated: 2024-11-23. Review status: criteria provided, single submitter. Criteria: Ambry Variant Classification Scheme 2023. Collection method: clinical testing. Allele origin: germline.
Comment: The p.V697D variant (also known as c.2090T>A), located in coding exon 23 of the FANCA gene, results from a T to A substitution at nucleotide position 2090. The valine at codon 697 is replaced by aspartic acid, an amino acid with highly dissimilar properties. This amino acid position is conserved. In addition, this alteration is predicted to be tolerated by in silico analysis. Based on the available evidence, the clinical significance of this variant remains unclear.

Labcorp Genetics (formerly Invitae), Labcorp
Classification: Uncertain significance for Fanconi anemia. Last evaluated: 2021-08-27. Review status: criteria provided, single submitter. Criteria: Invitae Variant Classification Sherloc (09022015). Collection method: clinical testing. Allele origin: germline.
Comment: This sequence change replaces valine with aspartic acid at codon 697 of the FANCA protein (p.Val697Asp). The valine residue is weakly conserved and there is a large physicochemical difference between valine and aspartic acid. This variant is not present in population databases (ExAC no frequency). This variant has not been reported in the literature in individuals affected with FANCA-related conditions. Algorithms developed to predict the effect of missense changes on protein structure and function (SIFT, PolyPhen-2, Align-GVGD) all suggest that this variant is likely to be tolerated. In summary, the available evidence is currently insufficient to determine the role of this variant in disease. Therefore, it has been classified as a Variant of Uncertain Significance.

NM_000135.4(FANCA):c.2090T>A (p.Val697Asp)

Gene: FANCA (FA complementation group A; minus strand). Cytogenetic location: 16q24.3.
Variant type: single nucleotide variant.
Coding change: c.2090T>A on transcript NM_000135.4 (MANE Select); coding-DNA position 2090, T replaced by A.
Protein change: p.Val697Asp; replaces valine 697 with aspartic acid.
Molecular consequence: missense variant.
Genome position (GRCh38, 1-based): chr16:89,771,739, A>T on the plus strand (T>A on the coding strand, the complement: FANCA is on the minus strand). VCF-style: chr16-89771739-A-T. GRCh37 (hg19) VCF-style: chr16-89838147-A-T.
Other names: c.2090T>A (LRG_495t1); c.2090T>A, p.Val697Asp (NM_001286167.3); short protein forms V697D.
Identifiers: ClinVar variation 576716 (VCV000576716.7), dbSNP rs777863668, ClinGen allele CA397448308.